The following is an entry in ClinVar:

ClinVar aggregate classification (germline): Benign/Likely benign. Review status: criteria provided, multiple submitters, no conflicts (2 of 4 stars). 3 submissions from 3 submitters: Benign (1); Likely benign (2). Last evaluated 2024-10-23.

Conditions:
Birt-Hogg-Dube syndrome 1 (BHD1). Also called: FIBROFOLLICULOMAS WITH TRICHODISCOMAS AND ACROCHORDONS. Identifiers: Orphanet 122, MedGen CN375946, MONDO:0800445, OMIM 135150.
Hereditary cancer-predisposing syndrome. Also called: Tumor predisposition; Hereditary neoplastic syndrome; Hereditary Cancer Syndrome; Neoplastic Syndromes, Hereditary. Identifiers: Orphanet 140162, MedGen C0027672, MeSH D009386, MONDO:0015356.
Birt-Hogg-Dube syndrome. Also called: Birt Hogg Dubé syndrome. Identifiers: Orphanet 122, MedGen C0346010, MONDO:0800444.

Allele frequency attached by ClinVar (database versions not stated): TOPMed below 0.00001; gnomAD 0.00001; gnomAD exomes below 0.00001.
gnomAD v4.1: 7 of 1,614,116 alleles (0.00043%); highest among the groups gnomAD compares: Non-Finnish European, 0.00059%; no homozygotes.

Submissions (3):

Myriad Genetics, Inc.
Classification: Benign for Birt-Hogg-Dube syndrome 1. Last evaluated: 2024-10-23. Review status: criteria provided, single submitter. Criteria: Myriad Autosomal Dominant, Autosomal Recessive and X-Linked Classification Criteria (2023). Collection method: clinical testing. Allele origin: unknown.
Comment: This variant is considered benign. This variant is a silent/synonymous amino acid change and it is not expected to impact splicing.

Labcorp Genetics (formerly Invitae), Labcorp
Classification: Likely benign for Birt-Hogg-Dube syndrome. Last evaluated: 2024-06-18. Review status: criteria provided, single submitter. Criteria: Invitae Variant Classification Sherloc (09022015). Collection method: clinical testing. Allele origin: germline.

Ambry Genetics
Classification: Likely benign for Hereditary cancer-predisposing syndrome. Last evaluated: 2022-08-09. Review status: criteria provided, single submitter. Criteria: Ambry Variant Classification Scheme 2023. Collection method: clinical testing. Allele origin: germline.

NM_144997.7(FLCN):c.630A>G (p.Ala210=)

Gene: FLCN (folliculin; minus strand). Cytogenetic location: 17p11.2.
Variant type: single nucleotide variant.
Coding change: c.630A>G on transcript NM_144997.7 (MANE Select); coding-DNA position 630, A replaced by G.
Protein change: p.Ala210=; no amino-acid change (alanine 210 retained).
Molecular consequence: synonymous variant.
Genome position (GRCh38, 1-based): chr17:17,222,650, T>C on the plus strand (A>G on the coding strand, the complement: FLCN is on the minus strand). VCF-style: chr17-17222650-T-C. GRCh37 (hg19) VCF-style: chr17-17125964-T-C.
Other names: c.684A>G, p.Ala228= (NM_001353229.2); c.630A>G, p.Ala210= (NM_001353230.2, NM_001353231.2, NM_144606.7).
Identifiers: ClinVar variation 701747 (VCV000701747.10), dbSNP rs1305220357, ClinGen allele CA498164923.
Genomic context (GRCh38, chr17:17,222,650, plus strand): 5'-TAGGAATGGCGTGAAGGCTGTGTTCATCCTCTGAGCACGCTGTGGGCATCCAAACTGCTC[T>C]GCCTCAAACACCTGAAATGCAAAGGGAAGGGATGGCCTCTTTAAGCCAAAGCTGCCAGCA-3'
Protein context (NP_659434.2, residues 200-220): LQGKALKVFE[Ala210=]EQFGCPQRAQ